The following is an entry in ClinVar:

NM_001105206.3(LAMA4):c.422+20G>T

Gene: LAMA4 (laminin subunit alpha 4; minus strand). Cytogenetic location: 6q21.
Variant type: single nucleotide variant.
Coding change: c.422+20G>T on transcript NM_001105206.3 (MANE Select); 20 bases into the intron after coding-DNA position 422, G replaced by T.
Molecular consequence: intron variant.
Genome position (GRCh38, 1-based): chr6:112,207,001, C>A on the plus strand (G>T on the coding strand, the complement: LAMA4 is on the minus strand). VCF-style: chr6-112207001-C-A. GRCh37 (hg19) VCF-style: chr6-112528202-C-A.
Other names: c.422+20G>T (NM_002290.5, NM_001105207.3, NM_001105206.2).
Identifiers: ClinVar variation 213579 (VCV000213579.15), dbSNP rs188820838, ClinGen allele CA324535.

ClinVar aggregate classification (germline): Benign/Likely benign. Review status: criteria provided, multiple submitters, no conflicts (2 of 4 stars). 7 submissions from 7 submitters: Benign (3); Likely benign (2). 2 of the submissions do not count toward it. Last evaluated 2026-02-01.

Conditions:
Dilated cardiomyopathy 1JJ (CMD1JJ). Identifiers: Orphanet 154, MedGen C3808935, MONDO:0014095, OMIM 615235.

Allele frequency attached by ClinVar (database versions not stated): ExAC 0.00085; gnomAD 0.00271; TOPMed 0.00289; ESP Exome Variant Server 0.00300; 1000 Genomes Project 30x 0.00328; 1000 Genomes Project 0.00280.
gnomAD v4.1: 745 of 1,613,436 alleles (0.046%); highest among the groups gnomAD compares: African/African-American, 0.92%; 6 homozygotes.

Submissions (7):

Labcorp Genetics (formerly Invitae), Labcorp
Classification: Benign for Dilated cardiomyopathy 1JJ. Last evaluated: 2026-02-01. Review status: criteria provided, single submitter. Criteria: Invitae Variant Classification Sherloc (09022015). Collection method: clinical testing. Allele origin: germline.

Blueprint Genetics
Classification: Likely benign. Last evaluated: 2024-11-13. Review status: criteria provided, single submitter. Criteria: ACMG Guidelines, 2015. Collection method: clinical testing. Allele origin: germline.

Women's Health and Genetics/Laboratory Corporation of America, LabCorp
Classification: Benign. Last evaluated: 2023-07-30. Review status: criteria provided, single submitter. Criteria: LabCorp Variant Classification Summary - May 2015. Collection method: clinical testing. Allele origin: germline.

Fulgent Genetics
Classification: Likely benign for Dilated cardiomyopathy 1JJ. Last evaluated: 2021-08-11. Review status: criteria provided, single submitter. Criteria: ACMG Guidelines, 2015. Collection method: clinical testing. Allele origin: unknown.

GeneDx
Classification: Benign. Last evaluated: 2014-08-28. Review status: criteria provided, single submitter. Criteria: GeneDx Variant Classification (06012015). Collection method: clinical testing. Allele origin: germline. Affected: yes.
Comment: This variant is considered likely benign or benign based on one or more of the following criteria: it is a conservative change, it occurs at a poorly conserved position in the protein, it is predicted to be benign by multiple in silico algorithms, and/or has population frequency not consistent with disease.

Clinical Genetics, Academic Medical Center
Classification: Benign. Review status: no assertion criteria provided. Collection method: clinical testing. Allele origin: germline. Affected: yes. Study: VKGL Data-share Consensus. Not counted in ClinVar's aggregate classification.

Genome Diagnostics Laboratory, University Medical Center Utrecht
Classification: Benign. Review status: no assertion criteria provided. Collection method: clinical testing. Allele origin: germline. Affected: yes. Study: VKGL Data-share Consensus. Not counted in ClinVar's aggregate classification.